The following is an entry in ClinVar:

NM_001184880.2(PCDH19):c.3305A>G (p.Asn1102Ser)

Gene: PCDH19 (protocadherin 19; minus strand). Cytogenetic location: Xq22.1.
Variant type: single nucleotide variant.
Coding change: c.3305A>G on transcript NM_001184880.2 (MANE Select); coding-DNA position 3305, A replaced by G.
Protein change: p.Asn1102Ser; replaces asparagine 1102 with serine.
Molecular consequence: missense variant.
Genome position (GRCh38, 1-based): chrX:100,296,419, T>C on the plus strand (A>G on the coding strand, the complement: PCDH19 is on the minus strand). VCF-style: chrX-100296419-T-C. GRCh37 (hg19) VCF-style: chrX-99551417-T-C.
Other names: c.3164A>G, p.Asn1055Ser (NM_001105243.2); c.3161A>G, p.Asn1054Ser (NM_020766.3); short protein forms N1054S, N1055S, N1102S.
Identifiers: ClinVar variation 4536049 (VCV004536049.1).

ClinVar aggregate classification (germline): Uncertain significance (1 of 4 stars; one submission).

Submission:

Women's Health and Genetics/Laboratory Corporation of America, LabCorp
Classification: Uncertain significance. Last evaluated: 2025-09-23. Review status: criteria provided, single submitter. Criteria: LabCorp Variant Classification Summary - May 2015. Collection method: clinical testing. Allele origin: germline.
Comment: Variant summary: PCDH19 c.3305A>G (p.Asn1102Ser) results in a conservative amino acid change in the encoded protein sequence. Algorithms developed to predict the effect of missense changes on protein structure and function are either unavailable or do not agree on the potential impact of this missense change. The variant was absent in 181584 control chromosomes (gnomAD). The available data on variant occurrences in the general population are insufficient to allow any conclusion about variant significance. To our knowledge, no occurrence of c.3305A>G in individuals affected with PCDH19-related conditions and no experimental evidence demonstrating its impact on protein function have been reported. No submitters have cited clinical-significance assessments for this variant to ClinVar. Based on the evidence outlined above, the variant was classified as uncertain significance.